The following is an entry in ClinVar:

NM_001103.4(ACTN2):c.1730C>A (p.Ala577Asp)

Gene: ACTN2 (actinin alpha 2; plus strand). Cytogenetic location: 1q43.
Variant type: single nucleotide variant.
Coding change: c.1730C>A on transcript NM_001103.4 (MANE Select); coding-DNA position 1730, C replaced by A.
Protein change: p.Ala577Asp; replaces alanine 577 with aspartic acid.
Molecular consequence: missense variant. On other transcripts: non-coding transcript variant (1).
Genome position (GRCh38, 1-based): chr1:236,751,543, C>A. VCF-style: chr1-236751543-C-A. GRCh37 (hg19) VCF-style: chr1-236914843-C-A.
Other names: c.1730C>A, p.Ala577Asp (NM_001278343.2); c.1106C>A, p.Ala369Asp (NM_001278344.2); c.980C>A, p.Ala327Asp (NM_001412150.1); short protein forms A327D, A369D, A577D.
Identifiers: ClinVar variation 2933370 (VCV002933370.3), dbSNP rs1237134427, ClinGen allele CA345385884.

ClinVar aggregate classification (germline): Uncertain significance (1 of 4 stars; one submission).

Conditions:
Primary familial hypertrophic cardiomyopathy (HCM). Identifiers: Orphanet 99739, MedGen C0949658, MeSH D024741, MONDO:0024573. Inheritance: Various modes of inheritance.
Dilated cardiomyopathy 1AA (CMD1AA). Also called: CARDIOMYOPATHY, DILATED, 1AA, WITH OR WITHOUT LEFT VENTRICULAR NONCOMPACTION; CARDIOMYOPATHY, FAMILIAL HYPERTROPHIC, 23, WITH OR WITHOUT LEFT VENTRICULAR NONCOMPACTION; Cardiomyopathy, dilated, 1AA, with or without LVNC. Identifiers: Orphanet 154, MedGen C2677338, MONDO:0012808, OMIM 612158.

Allele frequency attached by ClinVar (database versions not stated): TOPMed below 0.00001; gnomAD 0.00001.

Submission:

Labcorp Genetics (formerly Invitae), Labcorp
Classification: Uncertain significance for Primary familial hypertrophic cardiomyopathy; Dilated cardiomyopathy 1AA. Last evaluated: 2023-03-14. Review status: criteria provided, single submitter. Criteria: Invitae Variant Classification Sherloc (09022015). Collection method: clinical testing. Allele origin: germline.
Comment: In summary, the available evidence is currently insufficient to determine the role of this variant in disease. Therefore, it has been classified as a Variant of Uncertain Significance. Advanced modeling of protein sequence and biophysical properties (such as structural, functional, and spatial information, amino acid conservation, physicochemical variation, residue mobility, and thermodynamic stability) performed at Invitae indicates that this missense variant is not expected to disrupt ACTN2 protein function. This variant has not been reported in the literature in individuals affected with ACTN2-related conditions. This variant is not present in population databases (gnomAD no frequency). This sequence change replaces alanine, which is neutral and non-polar, with aspartic acid, which is acidic and polar, at codon 577 of the ACTN2 protein (p.Ala577Asp).